The following is an entry in ClinVar:

ClinVar aggregate classification (germline): Uncertain significance (1 of 4 stars; one submission).

Conditions:
Generalized epilepsy with febrile seizures plus, type 9 (GEFSP9). Also called: GEFS+, TYPE 9. Identifiers: Orphanet 36387, MedGen C4015395, MONDO:0014517, OMIM 616172.

Submission:

Labcorp Genetics (formerly Invitae), Labcorp
Classification: Uncertain significance for Generalized epilepsy with febrile seizures plus, type 9. Last evaluated: 2025-11-17. Review status: criteria provided, single submitter. Criteria: Invitae Variant Classification Sherloc (09022015). Collection method: clinical testing. Allele origin: germline.
Comment: This sequence change replaces lysine, which is basic and polar, with glutamic acid, which is acidic and polar, at codon 82 of the STX1B protein (p.Lys82Glu). This variant is not present in population databases (gnomAD no frequency). This variant has not been reported in the literature in individuals affected with STX1B-related conditions. Invitae Evidence Modeling of protein sequence and biophysical properties (such as structural, functional, and spatial information, amino acid conservation, physicochemical variation, residue mobility, and thermodynamic stability) indicates that this missense variant is expected to disrupt STX1B protein function with a positive predictive value of 80%. In summary, the available evidence is currently insufficient to determine the role of this variant in disease. Therefore, it has been classified as a Variant of Uncertain Significance.

NM_052874.5(STX1B):c.244A>G (p.Lys82Glu)

Gene: STX1B (syntaxin 1B; minus strand). Cytogenetic location: 16p11.2.
Variant type: single nucleotide variant.
Coding change: c.244A>G on transcript NM_052874.5 (MANE Select); coding-DNA position 244, A replaced by G.
Protein change: p.Lys82Glu; replaces lysine 82 with glutamic acid.
Molecular consequence: missense variant.
Genome position (GRCh38, 1-based): chr16:31,000,964, T>C on the plus strand (A>G on the coding strand, the complement: STX1B is on the minus strand). VCF-style: chr16-31000964-T-C. GRCh37 (hg19) VCF-style: chr16-31012285-T-C.
Other names: short protein forms K82E.
Identifiers: ClinVar variation 4743515 (VCV004743515.1).